The following is an entry in ClinVar:

NM_000548.5(TSC2):c.3372C>T (p.Ala1124=)

Gene: TSC2 (TSC complex subunit 2; plus strand). Cytogenetic location: 16p13.3.
Variant type: single nucleotide variant.
Coding change: c.3372C>T on transcript NM_000548.5 (MANE Select); coding-DNA position 3372, C replaced by T.
Protein change: p.Ala1124=; no amino-acid change (alanine 1124 retained).
Molecular consequence: synonymous variant.
Genome position (GRCh38, 1-based): chr16:2,079,644, C>T. VCF-style: chr16-2079644-C-T. GRCh37 (hg19) VCF-style: chr16-2129645-C-T.
Other names: c.3240C>T, p.Ala1080= (NM_001077183.3, NM_001370404.1); c.3372C>T, p.Ala1124= (NM_001114382.3); c.3132C>T, p.Ala1044= (NM_001318827.2); c.3096C>T, p.Ala1032= (NM_001318829.2); c.2640C>T, p.Ala880= (NM_001318831.2); c.3273C>T, p.Ala1091= (NM_001318832.2); c.3243C>T, p.Ala1081= (NM_001363528.2, NM_001370405.1, NM_021055.3).
Identifiers: ClinVar variation 536064 (VCV000536064.22), dbSNP rs1555510963, ClinGen allele CA492955309.

ClinVar aggregate classification (germline): Benign/Likely benign. Review status: criteria provided, multiple submitters, no conflicts (2 of 4 stars). 6 submissions from 6 submitters: Benign (1); Likely benign (5). Last evaluated 2026-01-28.

Conditions:
Tuberous sclerosis syndrome (TSC). Also called: Tuberous Sclerosis Complex; Tuberous sclerosis. Identifiers: Orphanet 805, MedGen C0041341, MONDO:0001734.
Tuberous sclerosis 2 (TSC2). Identifiers: Orphanet 805, MedGen C1860707, MONDO:0013199, OMIM 613254.
Hereditary cancer-predisposing syndrome. Also called: Hereditary Cancer Syndrome; Tumor predisposition; Neoplastic Syndromes, Hereditary; Hereditary neoplastic syndrome. Identifiers: Orphanet 140162, MedGen C0027672, MeSH D009386, MONDO:0015356.

Allele frequency attached by ClinVar (database versions not stated): gnomAD exomes below 0.00001.
gnomAD v4.1: 4 of 1,604,468 alleles (0.00025%); highest among the groups gnomAD compares: Non-Finnish European, 0.00034%; no homozygotes.

Submissions (6):

Labcorp Genetics (formerly Invitae), Labcorp
Classification: Likely benign for Tuberous sclerosis 2. Last evaluated: 2026-01-28. Review status: criteria provided, single submitter. Criteria: Invitae Variant Classification Sherloc (09022015). Collection method: clinical testing. Allele origin: germline.

CeGaT Center for Human Genetics Tuebingen
Classification: Likely benign. Last evaluated: 2025-10-01. Review status: criteria provided, single submitter. Criteria: CeGaT Center For Human Genetics Tuebingen Variant Classification Criteria Version 2. Collection method: clinical testing. Allele origin: germline. Affected: yes. Observed: 1 variant allele.
Comment: TSC2: BP4, BP7

Myriad Genetics, Inc.
Classification: Benign for Tuberous sclerosis 2. Last evaluated: 2025-05-28. Review status: criteria provided, single submitter. Criteria: Myriad Autosomal Dominant, Autosomal Recessive and X-Linked Classification Criteria (2023). Collection method: clinical testing. Allele origin: unknown.
Comment: This variant is considered benign. This variant is a silent/synonymous amino acid change and it is not expected to impact splicing.

All of Us Research Program, National Institutes of Health
Classification: Likely benign for Tuberous sclerosis syndrome. Last evaluated: 2024-08-13. Review status: criteria provided, single submitter. Criteria: ACMG Guidelines, 2015. Collection method: clinical testing. Allele origin: germline. Inheritance: Autosomal dominant inheritance. Observed: 2 variant alleles, 2 heterozygotes.
Comment: This study involves interpretation of variants in research participants for the purpose of population health screening. Participant phenotype was not available at the time of variant classification. Additional details can be found in publication PMID: 35346344, PMCID: PMC8962531

Color Diagnostics, LLC DBA Color Health
Classification: Likely benign for Tuberous sclerosis syndrome. Last evaluated: 2023-06-14. Review status: criteria provided, single submitter. Criteria: ACMG Guidelines, 2015. Collection method: clinical testing. Allele origin: germline.

Ambry Genetics
Classification: Likely benign for Hereditary cancer-predisposing syndrome. Last evaluated: 2023-03-08. Review status: criteria provided, single submitter. Criteria: Ambry Variant Classification Scheme 2023. Collection method: clinical testing. Allele origin: germline.